The following is an entry in ClinVar:

ClinVar aggregate classification (germline): Uncertain significance (1 of 4 stars; one submission).

Submission:

Labcorp Genetics (formerly Invitae), Labcorp
Classification: Uncertain significance. Last evaluated: 2022-05-12. Review status: criteria provided, single submitter. Criteria: Invitae Variant Classification Sherloc (09022015). Collection method: clinical testing. Allele origin: germline.
Comment: In summary, the available evidence is currently insufficient to determine the role of this variant in disease. Therefore, it has been classified as a Variant of Uncertain Significance. Algorithms developed to predict the effect of missense changes on protein structure and function (SIFT, PolyPhen-2, Align-GVGD) all suggest that this variant is likely to be tolerated. This variant has not been reported in the literature in individuals affected with PPP2R1A-related conditions. This variant is not present in population databases (gnomAD no frequency). This sequence change replaces lysine, which is basic and polar, with glutamine, which is neutral and polar, at codon 188 of the PPP2R1A protein (p.Lys188Gln).

NM_014225.6(PPP2R1A):c.562A>C (p.Lys188Gln)

Gene: PPP2R1A (protein phosphatase 2 scaffold subunit Aalpha; plus strand). Cytogenetic location: 19q13.41.
Variant type: single nucleotide variant.
Coding change: c.562A>C on transcript NM_014225.6 (MANE Select); coding-DNA position 562, A replaced by C.
Protein change: p.Lys188Gln; replaces lysine 188 with glutamine.
Molecular consequence: missense variant. On other transcripts: non-coding transcript variant (1).
Genome position (GRCh38, 1-based): chr19:52,212,744, A>C. VCF-style: chr19-52212744-A-C. GRCh37 (hg19) VCF-style: chr19-52715997-A-C.
Other names: c.25A>C, p.Lys9Gln (NM_001363656.2); short protein forms K188Q, K9Q.
Identifiers: ClinVar variation 1993280 (VCV001993280.4), dbSNP rs2122335032, ClinGen allele CA407183636.
Genomic context (GRCh38, chr19:52,212,744, plus strand): 5'-AGGTACTTCCGGAACCTGTGCTCAGATGACACCCCCATGGTGCGGCGGGCCGCAGCCTCC[A>C]AGCTGGGGGAGTTTGCCAAGGTGCTGGAGCTGGACAACGTCAAGAGTGAGATCATCCCCA-3'
Protein context (NP_055040.2, residues 178-198): TPMVRRAAAS[Lys188Gln]LGEFAKVLEL